The following is an entry in ClinVar:

NM_206933.4(USH2A):c.6166C>T (p.Pro2056Ser)

Gene: USH2A (usherin; minus strand). Cytogenetic location: 1q41.
Variant type: single nucleotide variant.
Coding change: c.6166C>T on transcript NM_206933.4 (MANE Select); coding-DNA position 6166, C replaced by T.
Protein change: p.Pro2056Ser; replaces proline 2056 with serine.
Molecular consequence: missense variant.
Genome position (GRCh38, 1-based): chr1:216,046,590, G>A on the plus strand (C>T on the coding strand, the complement: USH2A is on the minus strand). VCF-style: chr1-216046590-G-A. GRCh37 (hg19) VCF-style: chr1-216219932-G-A.
Other names: short protein forms P2056S.
Identifiers: ClinVar variation 3365061 (VCV003365061.1).

ClinVar aggregate classification (germline): Uncertain significance (1 of 4 stars; one submission).

Submission:

GeneDx
Classification: Uncertain significance. Last evaluated: 2023-11-30. Review status: criteria provided, single submitter. Criteria: GeneDx Variant Classification Process June 2021. Collection method: clinical testing. Allele origin: germline. Affected: yes.
Comment: Not observed at significant frequency in large population cohorts (gnomAD); In silico analysis supports that this missense variant has a deleterious effect on protein structure/function; Has not been previously published as pathogenic or benign to our knowledge